The following is an entry in ClinVar:

ClinVar aggregate classification (germline): Conflicting classifications of pathogenicity. Review status: criteria provided, conflicting classifications (1 of 4 stars). 3 submissions from 3 submitters: Pathogenic (1); Uncertain significance (2). Last evaluated 2025-08-08.

Conditions:
Dilated cardiomyopathy 1G (CMD1G). Identifiers: Orphanet 154, MedGen C1858763, MONDO:0011400, OMIM 604145.
Autosomal recessive limb-girdle muscular dystrophy type 2J (LGMDR10). Also called: Limb-girdle muscular dystrophy, type 2J; MUSCULAR DYSTROPHY, LIMB-GIRDLE, AUTOSOMAL RECESSIVE 10. Identifiers: Orphanet 140922, MedGen C1837342, MONDO:0012127, OMIM 608807.

Allele frequency attached by ClinVar (database versions not stated): gnomAD exomes below 0.00001.
gnomAD v4.1: 2 of 1,613,474 alleles (0.00012%); highest among the groups gnomAD compares: Admixed American, 0.0033%; no homozygotes.

Submissions (3):

Labcorp Genetics (formerly Invitae), Labcorp
Classification: Pathogenic for Dilated cardiomyopathy 1G; Autosomal recessive limb-girdle muscular dystrophy type 2J. Last evaluated: 2025-08-08. Review status: criteria provided, single submitter. Criteria: Invitae Variant Classification Sherloc (09022015). Collection method: clinical testing. Allele origin: germline.
Comment: This sequence change replaces isoleucine, which is neutral and non-polar, with threonine, which is neutral and polar, at codon 35986 of the TTN protein (p.Ile35986Thr). This variant is present in population databases (no rsID available, gnomAD 0.003%). This missense change has been observed in individual(s) with autosomal recessive TTN-related conditions (PMID: 32039858; internal data). In at least one individual the data is consistent with being in trans (on the opposite chromosome) from a pathogenic variant. ClinVar contains an entry for this variant (Variation ID: 405041). Experimental studies and prediction algorithms are not available or were not evaluated, and the functional significance of this variant is currently unknown. This variant is located in the M band of TTN (PMID: 25589632). Non-truncating variants in this region may be relevant for neuromuscular disorders, but have not been definitively shown to cause cardiomyopathy (PMID: 23975875). For these reasons, this variant has been classified as Pathogenic.

Mayo Clinic Laboratories, Mayo Clinic
Classification: Uncertain significance. Last evaluated: 2025-07-26. Review status: criteria provided, single submitter. Criteria: ACMG Guidelines, 2015. Collection method: clinical testing. Allele origin: germline. Observed: 1 variant allele.

AiLife Diagnostics
Classification: Uncertain significance. Last evaluated: 2021-08-02. Review status: criteria provided, single submitter. Criteria: ACMG Guidelines, 2015. Collection method: clinical testing. Allele origin: germline. Affected: yes. Observed: 1 variant allele.

Literature cited by the submitters: PubMed 32039858 (cited by 3 submitters); PubMed 25589632 (cited by Labcorp Genetics (formerly Invitae), Labcorp); PubMed 23975875 (cited by Labcorp Genetics (formerly Invitae), Labcorp).

NM_001267550.2(TTN):c.107957T>C (p.Ile35986Thr)

Genes: TTN-AS1 (TTN antisense RNA 1; plus strand), TTN (titin; minus strand). Cytogenetic location: 2q31.2.
Variant type: single nucleotide variant.
Coding change: c.107957T>C on transcript NM_001267550.2 (MANE Select); coding-DNA position 107957, T replaced by C.
Protein change: p.Ile35986Thr; replaces isoleucine 35986 with threonine.
Molecular consequence: missense variant.
Genome position (GRCh38, 1-based): chr2:178,527,031, A>G on the plus strand (T>C on the coding strand, the complement: TTN is on the minus strand). VCF-style: chr2-178527031-A-G. GRCh37 (hg19) VCF-style: chr2-179391758-A-G.
Other names: p.Ile33418Thr; c.103034T>C, p.Ile34345Thr (NM_001256850.1); c.80762T>C, p.Ile26921Thr (NM_003319.4); c.100253T>C, p.Ile33418Thr (NM_133378.4); c.81137T>C, p.Ile27046Thr (NM_133432.3); c.81338T>C, p.Ile27113Thr (NM_133437.4); short protein forms I35986T, I27046T, I27113T, I33418T, I26921T, I34345T.
Identifiers: ClinVar variation 405041 (VCV000405041.13), dbSNP rs1060500541, ClinGen allele CA16610284.
Genomic context (GRCh38, chr2:178,527,031, plus strand): 5'-AAAGTTAAGAATGAGTGTAGAGTATAAGGGCACAGGCCCTCTTAAATGGATCGAATATGT[A>G]TATTCACAGTGGCAGAGTCAGATCCAAATTCATTCCCTAAACTCAGGGTATAAAGTCCAC-3'
Protein context (NP_001254479.2, residues 35976-35991): EFGSDSATVN[Ile35986Thr]HIRSI